The following is an entry in ClinVar:

ClinVar aggregate classification (germline): Uncertain significance (1 of 4 stars; one submission).

Conditions:
Leukocyte adhesion deficiency 1 (LAD1). Also called: LEUKOCYTE ADHESION DEFICIENCY, TYPE I; LAD 1; Lymphocyte function-associated antigen 1 immunodeficiency; LFA 1 immunodeficiency. Identifiers: Orphanet 2968, Orphanet 99842, MedGen C0398738, MONDO:0007293, OMIM 116920.

Allele frequency attached by ClinVar (database versions not stated): TOPMed below 0.00001; gnomAD exomes 0.00001 and 0.00002; ExAC 0.00002.
gnomAD v4.1: 36 of 1,614,020 alleles (0.0022%); highest among the groups gnomAD compares: Non-Finnish European, 0.0029%; no homozygotes.

Submission:

Labcorp Genetics (formerly Invitae), Labcorp
Classification: Uncertain significance for Leukocyte adhesion deficiency 1. Last evaluated: 2021-08-27. Review status: criteria provided, single submitter. Criteria: Invitae Variant Classification Sherloc (09022015). Collection method: clinical testing. Allele origin: germline.
Comment: This sequence change replaces valine with methionine at codon 403 of the ITGB2 protein (p.Val403Met). The valine residue is highly conserved and there is a small physicochemical difference between valine and methionine. This variant is present in population databases (rs779705397, ExAC 0.003%). This variant has not been reported in the literature in individuals affected with ITGB2-related conditions. Algorithms developed to predict the effect of missense changes on protein structure and function are either unavailable or do not agree on the potential impact of this missense change (SIFT: "Deleterious"; PolyPhen-2: "Probably Damaging"; Align-GVGD: "Class C15"). In summary, the available evidence is currently insufficient to determine the role of this variant in disease. Therefore, it has been classified as a Variant of Uncertain Significance.

NM_000211.5(ITGB2):c.1207G>A (p.Val403Met)

Gene: ITGB2 (integrin subunit beta 2; minus strand). Cytogenetic location: 21q22.3.
Variant type: single nucleotide variant.
Coding change: c.1207G>A on transcript NM_000211.5 (MANE Select); coding-DNA position 1207, G replaced by A.
Protein change: p.Val403Met; replaces valine 403 with methionine.
Molecular consequence: missense variant.
Genome position (GRCh38, 1-based): chr21:44,893,421, C>T on the plus strand (G>A on the coding strand, the complement: ITGB2 is on the minus strand). VCF-style: chr21-44893421-C-T. GRCh37 (hg19) VCF-style: chr21-46313336-C-T.
Other names: c.1207G>A, p.Val403Met (NM_001127491.3); c.1000G>A, p.Val334Met (NM_001303238.2); short protein forms V334M, V403M.
Identifiers: ClinVar variation 1449327 (VCV001449327.7), dbSNP rs779705397, ClinGen allele CA10062901.